The following is an entry in ClinVar:

ClinVar aggregate classification (germline): Uncertain significance (1 of 4 stars; one submission).

Conditions:
Neurofibromatosis, type 1 (NF1). Also called: Neurofibromatosis, type I; Peripheral type neurofibromatosis; NEUROFIBROMATOSIS, TYPE I, SOMATIC; VON RECKLINGHAUSEN DISEASE. Identifiers: Orphanet 636, MedGen C0027831, MONDO:0018975, OMIM 162200. Disease mechanism: loss of function.

Submission:

Labcorp Genetics (formerly Invitae), Labcorp
Classification: Uncertain significance for Neurofibromatosis, type 1. Last evaluated: 2025-11-17. Review status: criteria provided, single submitter. Criteria: Invitae Variant Classification Sherloc (09022015). Collection method: clinical testing. Allele origin: germline.
Comment: This sequence change replaces aspartic acid, which is acidic and polar, with tyrosine, which is neutral and polar, at codon 559 of the NF1 protein (p.Asp559Tyr). This variant is not present in population databases (gnomAD no frequency). This variant has not been reported in the literature in individuals affected with NF1-related conditions. ClinVar contains an entry for this variant (Variation ID: 2003739). Invitae Evidence Modeling of protein sequence and biophysical properties (such as structural, functional, and spatial information, amino acid conservation, physicochemical variation, residue mobility, and thermodynamic stability) indicates that this missense variant is not expected to disrupt NF1 protein function with a negative predictive value of 95%. Algorithms developed to predict the effect of sequence changes on RNA splicing suggest that this variant may disrupt the consensus splice site. In summary, the available evidence is currently insufficient to determine the role of this variant in disease. Therefore, it has been classified as a Variant of Uncertain Significance.

NM_001042492.3(NF1):c.1675G>T (p.Asp559Tyr)

Gene: NF1 (neurofibromin 1; plus strand). Cytogenetic location: 17q11.2.
Variant type: single nucleotide variant.
Coding change: c.1675G>T on transcript NM_001042492.3 (MANE Select); coding-DNA position 1675, G replaced by T.
Protein change: p.Asp559Tyr; replaces aspartic acid 559 with tyrosine.
Molecular consequence: missense variant.
Genome position (GRCh38, 1-based): chr17:31,221,883, G>T. VCF-style: chr17-31221883-G-T. GRCh37 (hg19) VCF-style: chr17-29548901-G-T.
Other names: c.1675G>T, p.Asp559Tyr (NM_000267.4, NM_001128147.3); short protein forms D559Y.
Identifiers: ClinVar variation 2003739 (VCV002003739.4), dbSNP rs2144004244, ClinGen allele CA399002279.
Genomic context (GRCh38, chr17:31,221,883, plus strand): 5'-TGTCTTTCTCTTTTTTAAAAAATTCAGGCTCTGCTGGTTCTTCATCAGTTAGATAGCATT[G>T]ATTTGTGGAATCCTGATGCTCCTGTAGAAACATTTTGGGAGATTAGGTATATGTACTTTT-3'
Protein context (NP_001035957.1, residues 549-569): LLVLHQLDSI[Asp559Tyr]LWNPDAPVET